The following is an entry in ClinVar:

ClinVar aggregate classification (germline): Likely benign (1 of 4 stars; one submission).

Allele frequency attached by ClinVar (database versions not stated): gnomAD 0.00001; gnomAD exomes 0.00004; ExAC 0.00005.
gnomAD v4.1: 22 of 1,436,718 alleles (0.0015%); highest among the groups gnomAD compares: African/African-American, 0.0027%; no homozygotes.

Submission:

CeGaT Center for Human Genetics Tuebingen
Classification: Likely benign. Last evaluated: 2023-08-01. Review status: criteria provided, single submitter. Criteria: CeGaT Center For Human Genetics Tuebingen Variant Classification Criteria Version 2. Collection method: clinical testing. Allele origin: germline. Affected: yes. Observed: 1 variant allele.
Comment: MUC4: BP4, BP7

NM_018406.7(MUC4):c.10959C>T (p.Asp3653=)

Gene: MUC4 (mucin 4, cell surface associated). Cytogenetic location: 3q29.
Variant type: single nucleotide variant.
Coding change: c.10959C>T on transcript NM_018406.7 (MANE Select); coding-DNA position 10959, C replaced by T.
Protein change: p.Asp3653=; no amino-acid change (aspartic acid 3653 retained).
Molecular consequence: synonymous variant. On other transcripts: no sequence alteration (1), genic upstream transcript variant (2).
Genome position (GRCh38, 1-based): chr3:195,780,621, G>A on the plus strand (C>T on the coding strand, the complement: MUC4 is on the minus strand). VCF-style: chr3-195780621-G-A. GRCh37 (hg19) VCF-style: chr3-195507492-G-A.
Other names: c.15729=, p.Asn5243= (NM_001322468.1); c.83-6316C>T (NM_138297.5); c.83-2166C>T (NM_004532.6).
Identifiers: ClinVar variation 2654413 (VCV002654413.24), dbSNP rs776343959, ClinGen allele CA2769795.